The following is an entry in ClinVar:

NM_001401501.2(MUC16):c.11088C>T (p.Thr3696=)

Gene: MUC16 (mucin 16, cell surface associated; minus strand). Cytogenetic location: 19p13.2.
Variant type: single nucleotide variant.
Coding change: c.11088C>T on transcript NM_001401501.2 (MANE Select); coding-DNA position 11088, C replaced by T.
Protein change: p.Thr3696=; no amino-acid change (threonine 3696 retained).
Molecular consequence: synonymous variant.
Genome position (GRCh38, 1-based): chr19:8,965,802, G>A on the plus strand (C>T on the coding strand, the complement: MUC16 is on the minus strand). VCF-style: chr19-8965802-G-A. GRCh37 (hg19) VCF-style: chr19-9076478-G-A.
Other names: c.11514C>T, p.Thr3838= (NM_001414686.1); c.10968C>T, p.Thr3656= (NM_001414687.1, NM_024690.2).
Identifiers: ClinVar variation 3051262 (VCV003051262.2), dbSNP rs748993389, ClinGen allele CA9171356.

ClinVar aggregate classification (germline): Likely benign (0 of 4 stars; one submission).

Conditions:
MUC16-related disorder. Also called: MUC16-related condition.

Submission:

PreventionGenetics, part of Exact Sciences
Classification: Likely benign for MUC16-related condition. Last evaluated: 2022-05-04. Review status: no assertion criteria provided. Collection method: clinical testing. Allele origin: germline.
Comment: This variant is classified as likely benign based on ACMG/AMP sequence variant interpretation guidelines (Richards et al. 2015 PMID: 25741868, with internal and published modifications).